The following is an entry in ClinVar:

ClinVar aggregate classification (germline): Uncertain significance (1 of 4 stars; one submission).

Submission:

Labcorp Genetics (formerly Invitae), Labcorp
Classification: Uncertain significance. Last evaluated: 2024-10-15. Review status: criteria provided, single submitter. Criteria: Invitae Variant Classification Sherloc (09022015). Collection method: clinical testing. Allele origin: germline.
Comment: This sequence change replaces proline, which is neutral and non-polar, with leucine, which is neutral and non-polar, at codon 2251 of the SZT2 protein (p.Pro2251Leu). This variant is not present in population databases (gnomAD no frequency). This variant has not been reported in the literature in individuals affected with SZT2-related conditions. ClinVar contains an entry for this variant (Variation ID: 2121528). Invitae Evidence Modeling of protein sequence and biophysical properties (such as structural, functional, and spatial information, amino acid conservation, physicochemical variation, residue mobility, and thermodynamic stability) has been performed for this missense variant. However, the output from this modeling did not meet the statistical confidence thresholds required to predict the impact of this variant on SZT2 protein function. In summary, the available evidence is currently insufficient to determine the role of this variant in disease. Therefore, it has been classified as a Variant of Uncertain Significance.

NM_001365999.1(SZT2):c.6923C>T (p.Pro2308Leu)

Gene: SZT2 (SZT2 subunit of KICSTOR complex; plus strand). Cytogenetic location: 1p34.2.
Variant type: single nucleotide variant.
Coding change: c.6923C>T on transcript NM_001365999.1 (MANE Select); coding-DNA position 6923, C replaced by T.
Protein change: p.Pro2308Leu; replaces proline 2308 with leucine.
Molecular consequence: missense variant.
Genome position (GRCh38, 1-based): chr1:43,439,650, C>T. VCF-style: chr1-43439650-C-T. GRCh37 (hg19) VCF-style: chr1-43905321-C-T.
Other names: c.6752C>T, p.Pro2251Leu (NM_015284.4); short protein forms P2251L, P2308L.
Identifiers: ClinVar variation 2121528 (VCV002121528.3), dbSNP rs2545846325, ClinGen allele CA340032678.